The following is an entry in ClinVar:

NM_203446.3(SYNJ1):c.*704C>T

Gene: SYNJ1 (synaptojanin 1; minus strand). Cytogenetic location: 21q22.11.
Variant type: single nucleotide variant.
Coding change: c.*704C>T on transcript NM_203446.3 (MANE Select); 704 bases downstream of the stop codon, C replaced by T.
Molecular consequence: 3 prime UTR variant. On other transcripts: missense variant (2).
Genome position (GRCh38, 1-based): chr21:32,631,101, G>A on the plus strand (C>T on the coding strand, the complement: SYNJ1 is on the minus strand). VCF-style: chr21-32631101-G-A. GRCh37 (hg19) VCF-style: chr21-34003411-G-A.
Other names: c.*704C>T (NM_001160302.2); c.4475C>T, p.Pro1492Leu (NM_001160306.2); c.4733C>T, p.Pro1578Leu (NM_003895.4); short protein forms P1492L, P1578L.
Identifiers: ClinVar variation 1981756 (VCV001981756.1), dbSNP rs367591704, ClinGen allele CA410080795.
Genomic context (GRCh38, chr21:32,631,101, plus strand): 5'-GTCGTGAAAGGATCTACTGGAGGGCTGGTGCCGGGCGGGAGCAGAGGGACAGGAGGTGGA[G>A]GAGGTCTTCTTGACGGCAACACACAGAAGGAGACATTTGTACCTTTATTCCAGTCATCAT-3'

ClinVar aggregate classification (germline): Uncertain significance (1 of 4 stars; one submission).

Conditions:
Developmental and epileptic encephalopathy, 53. Also called: Epileptic encephalopathy, early infantile, 53. Identifiers: MedGen C4479313, MONDO:0033362, OMIM 617389.
Early-onset Parkinson disease 20. Also called: PARKINSON DISEASE 20, AUTOSOMAL RECESSIVE EARLY-ONSET. Identifiers: Orphanet 391411, MedGen C3809824, MONDO:0014233, OMIM 615530.

gnomAD v4.1: 4 of 1,614,210 alleles (0.00025%); highest among the groups gnomAD compares: South Asian, 0.0011%; no homozygotes.

Submission:

Labcorp Genetics (formerly Invitae), Labcorp
Classification: Uncertain significance for Developmental and epileptic encephalopathy, 53; Early-onset Parkinson disease 20. Last evaluated: 2022-08-20. Review status: criteria provided, single submitter. Criteria: Invitae Variant Classification Sherloc (09022015). Collection method: clinical testing. Allele origin: germline.
Comment: This sequence change replaces proline, which is neutral and non-polar, with leucine, which is neutral and non-polar, at codon 1578 of the SYNJ1 protein (p.Pro1578Leu). This variant is present in population databases (no rsID available, gnomAD 0.0009%). This variant has not been reported in the literature in individuals affected with SYNJ1-related conditions. Algorithms developed to predict the effect of missense changes on protein structure and function are either unavailable or do not agree on the potential impact of this missense change (SIFT: "Deleterious"; PolyPhen-2: "Probably Damaging"; Align-GVGD: "Class C0"). In summary, the available evidence is currently insufficient to determine the role of this variant in disease. Therefore, it has been classified as a Variant of Uncertain Significance.